The following is an entry in ClinVar:

NM_020928.2(ZSWIM6):c.522CGC[9] (p.Ala184del)

Gene: ZSWIM6 (zinc finger SWIM-type containing 6; plus strand). Cytogenetic location: 5q12.1.
Variant type: Microsatellite.
Coding change: c.522CGC[9] on transcript NM_020928.2 (MANE Select); nine copies in a row of the 3-base unit CGC starting at c.522; the reference has ten copies in a row; one copy, 3 bases deleted.
Protein change: p.Ala184del; deletes alanine 184.
Molecular consequence: inframe deletion.
Genome position (GRCh38, 1-based): chr5:61,332,821-61,332,823, CGC deleted; deleting any 3 consecutive bases within chr5:61,332,792-61,332,823 gives the same sequence; the position shown is the placement nearest the transcript's 3' end. VCF-style (leftmost placement, unchanged base first): chr5-61332791-TGCC-T. GRCh37 (hg19) VCF-style: chr5-60628618-TGCC-T.
Other names: short protein forms A184del.
Identifiers: ClinVar variation 1987023 (VCV001987023.3), dbSNP rs1262946696, ClinGen allele CA444674129.

ClinVar aggregate classification (germline): Conflicting classifications of pathogenicity. Review status: criteria provided, conflicting classifications (1 of 4 stars). 2 submissions from 2 submitters: Uncertain significance (1); Likely benign (1). Last evaluated 2024-11-26.

Submissions (2):

Blueprint Genetics
Classification: Likely benign. Last evaluated: 2024-11-26. Review status: criteria provided, single submitter. Criteria: ACMG Guidelines, 2015. Collection method: clinical testing. Allele origin: germline.

Labcorp Genetics (formerly Invitae), Labcorp
Classification: Uncertain significance. Last evaluated: 2023-12-22. Review status: criteria provided, single submitter. Criteria: Invitae Variant Classification Sherloc (09022015). Collection method: clinical testing. Allele origin: germline.
Comment: This variant, c.549_551del, results in the deletion of 1 amino acid(s) of the ZSWIM6 protein (p.Ala184del), but otherwise preserves the integrity of the reading frame. The frequency data for this variant in the population databases is considered unreliable, as metrics indicate poor data quality at this position in the gnomAD database. This variant has not been reported in the literature in individuals affected with ZSWIM6-related conditions. Experimental studies and prediction algorithms are not available or were not evaluated, and the functional significance of this variant is currently unknown. In summary, the available evidence is currently insufficient to determine the role of this variant in disease. Therefore, it has been classified as a Variant of Uncertain Significance.